The following is an entry in ClinVar:

NM_000311.5(PRNP):c.563C>T (p.Thr188Met)

Gene: PRNP (prion protein (Kanno blood group); plus strand). Cytogenetic location: 20p13.
Variant type: single nucleotide variant.
Coding change: c.563C>T on transcript NM_000311.5 (MANE Select); coding-DNA position 563, C replaced by T.
Protein change: p.Thr188Met; replaces threonine 188 with methionine.
Molecular consequence: missense variant. On other transcripts: 3 prime UTR variant (1).
Genome position (GRCh38, 1-based): chr20:4,699,783, C>T. VCF-style: chr20-4699783-C-T. GRCh37 (hg19) VCF-style: chr20-4680429-C-T.
Other names: c.563C>T, p.Thr188Met (NM_001080121.3, NM_001080122.3, NM_001080123.3 and 1 more transcripts); c.*252C>T (NM_001271561.3); short protein forms T188M.
Identifiers: ClinVar variation 2048991 (VCV002048991.4), dbSNP rs372878791, ClinGen allele CA9752096.
Genomic context (GRCh38, chr20:4,699,783, plus strand): 5'-AGTACAGCAACCAGAACAACTTTGTGCACGACTGCGTCAATATCACAATCAAGCAGCACA[C>T]GGTCACCACAACCACCAAGGGGGAGAACTTCACCGAGACCGACGTTAAGATGATGGAGCG-3'
Protein context (NP_000302.1, residues 178-198): DCVNITIKQH[Thr188Met]VTTTTKGENF

ClinVar aggregate classification (germline): Uncertain significance (1 of 4 stars; one submission).

Conditions:
Huntington disease-like 1 (HDL1). Also called: PRION DISEASE, EARLY-ONSET, WITH PROMINENT PSYCHIATRIC FEATURES; HUNTINGTON-LIKE NEURODEGENERATIVE DISORDER 1; HUNTINGTON-LIKE NEURODEGENERATIVE DISORDER, AUTOSOMAL DOMINANT. Identifiers: Orphanet 157941, MedGen C1864112, MONDO:0011299, OMIM 603218.

Allele frequency attached by ClinVar (database versions not stated): gnomAD 0.00009; ESP Exome Variant Server 0.00008.
gnomAD v4.1: 95 of 1,613,894 alleles (0.0059%); highest among the groups gnomAD compares: African/African-American, 0.024%; no homozygotes.

Submission:

Labcorp Genetics (formerly Invitae), Labcorp
Classification: Uncertain significance for Huntington disease-like 1. Last evaluated: 2024-11-12. Review status: criteria provided, single submitter. Criteria: Invitae Variant Classification Sherloc (09022015). Collection method: clinical testing. Allele origin: germline.
Comment: This sequence change replaces threonine, which is neutral and polar, with methionine, which is neutral and non-polar, at codon 188 of the PRNP protein (p.Thr188Met). This variant is present in population databases (rs372878791, gnomAD 0.03%). This variant has not been reported in the literature in individuals affected with PRNP-related conditions. ClinVar contains an entry for this variant (Variation ID: 2048991). Invitae Evidence Modeling of protein sequence and biophysical properties (such as structural, functional, and spatial information, amino acid conservation, physicochemical variation, residue mobility, and thermodynamic stability) indicates that this missense variant is not expected to disrupt PRNP protein function with a negative predictive value of 80%. This variant disrupts the p.Thr188 amino acid residue in PRNP. Other variant(s) that disrupt this residue have been determined to be pathogenic (PMID: 10631141, 21904617, 23261545, 28314738). This suggests that this residue is clinically significant, and that variants that disrupt this residue are likely to be disease-causing. In summary, the available evidence is currently insufficient to determine the role of this variant in disease. Therefore, it has been classified as a Variant of Uncertain Significance.

Literature cited by the submitters: PubMed 10631141; PubMed 21904617; PubMed 23261545; PubMed 28314738.